The following is an entry in ClinVar:

ClinVar aggregate classification (germline): Uncertain significance. Review status: criteria provided, multiple submitters, no conflicts (2 of 4 stars). 3 submissions from 3 submitters: Uncertain significance (3). Last evaluated 2025-04-28.

Conditions:
Inborn genetic diseases. Identifiers: MedGen C0950123, MeSH D030342.
Retinitis pigmentosa (RP). Identifiers: Orphanet 791, MedGen C0035334, MeSH D012174, MONDO:0019200, OMIM 268000. Inheritance: Autosomal dominant, autosomal recessive and X linked inheritance.

Allele frequency attached by ClinVar (database versions not stated): gnomAD 0.00001; gnomAD exomes 0.00001 and 0.00003; TOPMed 0.00003; ExAC 0.00004; ESP Exome Variant Server 0.00008.
gnomAD v4.1: 20 of 1,613,614 alleles (0.0012%); highest among the groups gnomAD compares: East Asian, 0.0089%; no homozygotes.

Submissions (3):

Ambry Genetics
Classification: Uncertain significance for Inborn genetic diseases. Last evaluated: 2025-04-28. Review status: criteria provided, single submitter. Criteria: Ambry Variant Classification Scheme 2023. Collection method: clinical testing. Allele origin: germline.

Labcorp Genetics (formerly Invitae), Labcorp
Classification: Uncertain significance. Last evaluated: 2025-02-13. Review status: criteria provided, single submitter. Criteria: Invitae Variant Classification Sherloc (09022015). Collection method: clinical testing. Allele origin: germline.
Comment: This sequence change replaces arginine, which is basic and polar, with glutamine, which is neutral and polar, at codon 683 of the TOPORS protein (p.Arg683Gln). This variant is present in population databases (rs149570596, gnomAD 0.02%). This variant has not been reported in the literature in individuals affected with TOPORS-related conditions. ClinVar contains an entry for this variant (Variation ID: 915056). An algorithm developed to predict the effect of missense changes on protein structure and function outputs the following: PolyPhen-2: "Not Available". The glutamine amino acid residue is found in multiple mammalian species, which suggests that this missense change does not adversely affect protein function. In summary, the available evidence is currently insufficient to determine the role of this variant in disease. Therefore, it has been classified as a Variant of Uncertain Significance.

Illumina Laboratory Services, Illumina
Classification: Uncertain significance for Retinitis pigmentosa. Last evaluated: 2018-01-12. Review status: criteria provided, single submitter. Criteria: ICSL Variant Classification Criteria 13 December 2019. Collection method: clinical testing. Allele origin: germline.

NM_005802.5(TOPORS):c.2048G>A (p.Arg683Gln)

Gene: TOPORS (TOP1 binding arginine/serine rich protein, E3 ubiquitin ligase; minus strand). Cytogenetic location: 9p21.1.
Variant type: single nucleotide variant.
Coding change: c.2048G>A on transcript NM_005802.5 (MANE Select); coding-DNA position 2048, G replaced by A.
Protein change: p.Arg683Gln; replaces arginine 683 with glutamine.
Molecular consequence: missense variant.
Genome position (GRCh38, 1-based): chr9:32,542,477, C>T on the plus strand (G>A on the coding strand, the complement: TOPORS is on the minus strand). VCF-style: chr9-32542477-C-T. GRCh37 (hg19) VCF-style: chr9-32542475-C-T.
Other names: c.1853G>A, p.Arg618Gln (NM_001195622.2); short protein forms R618Q, R683Q.
Identifiers: ClinVar variation 915056 (VCV000915056.10), dbSNP rs149570596, ClinGen allele CA5020424.